The following is an entry in ClinVar:

NM_001267550.2(TTN):c.81130C>T (p.Gln27044Ter)

Genes: TTN (titin; minus strand), TTN-AS1 (TTN antisense RNA 1; plus strand). Cytogenetic location: 2q31.2.
Variant type: single nucleotide variant.
Coding change: c.81130C>T on transcript NM_001267550.2 (MANE Select); coding-DNA position 81130, C replaced by T.
Protein change: p.Gln27044Ter; replaces glutamine 27044 with a stop codon.
Molecular consequence: nonsense.
Genome position (GRCh38, 1-based): chr2:178,565,002, G>A on the plus strand (C>T on the coding strand, the complement: TTN is on the minus strand). VCF-style: chr2-178565002-G-A. GRCh37 (hg19) VCF-style: chr2-179429729-G-A.
Other names: c.76207C>T, p.Gln25403Ter (NM_001256850.1); c.53935C>T, p.Gln17979Ter (NM_003319.4); c.73426C>T, p.Gln24476Ter (NM_133378.4); c.54310C>T, p.Gln18104Ter (NM_133432.3); c.54511C>T, p.Gln18171Ter (NM_133437.4); short protein forms Q17979*, Q18104*, Q18171*, Q24476*, Q25403*, Q27044*.
Identifiers: ClinVar variation 3233604 (VCV003233604.2), dbSNP rs2468228555, ClinGen allele CA349583341.
Genomic context (GRCh38, chr2:178,565,002, plus strand): 5'-CTGCCTTAGAATCCAGTGGGGCACTTTTTCCATACCTGTTTTCAGCAAAAATTCTAAACT[G>A]GTACTCCGTGCCTGTTTTCAGTTTGGTTATTTTAATTGTTGTTCTTGCAACTGTTGCTGA-3'

ClinVar aggregate classification (germline): Likely pathogenic (1 of 4 stars; one submission).

Conditions:
Autosomal recessive limb-girdle muscular dystrophy type 2J (LGMDR10). Also called: Limb-girdle muscular dystrophy, type 2J; MUSCULAR DYSTROPHY, LIMB-GIRDLE, AUTOSOMAL RECESSIVE 10. Identifiers: Orphanet 140922, MedGen C1837342, MONDO:0012127, OMIM 608807.

Submission:

Women's Health and Genetics/Laboratory Corporation of America, LabCorp
Classification: Likely pathogenic for Autosomal recessive limb-girdle muscular dystrophy type 2J. Last evaluated: 2024-03-07. Review status: criteria provided, single submitter. Criteria: LabCorp Variant Classification Summary - May 2015. Collection method: clinical testing. Allele origin: germline.
Comment: Variant summary: TTN c.73426C>T (p.Gln24476X) results in a premature termination codon, predicted to cause a truncation of the encoded protein or absence of the protein due to nonsense mediated decay, which are commonly known mechanisms for disease. The variant was absent in 247364 control chromosomes. To our knowledge, no occurrence of c.73426C>T in individuals affected with Limb-Girdle Muscular Dystrophy, Type 2J and no experimental evidence demonstrating its impact on protein function have been reported. No submitters have cited clinical-significance assessments for this variant to ClinVar. Based on the evidence outlined above, the variant was classified as likely pathogenic.